The following is an entry in ClinVar:

NM_000208.4(INSR):c.3034G>A (p.Val1012Met)

Gene: INSR (insulin receptor; minus strand). Cytogenetic location: 19p13.2.
Variant type: single nucleotide variant.
Coding change: c.3034G>A on transcript NM_000208.4 (MANE Select); coding-DNA position 3034, G replaced by A.
Protein change: p.Val1012Met; replaces valine 1012 with methionine.
Molecular consequence: missense variant.
Genome position (GRCh38, 1-based): chr19:7,125,507, C>T on the plus strand (G>A on the coding strand, the complement: INSR is on the minus strand). VCF-style: chr19-7125507-C-T. GRCh37 (hg19) VCF-style: chr19-7125518-C-T.
Other names: c.2998G>A, p.Val1000Met (NM_001079817.3); short protein forms V1012M, V1000M.
Identifiers: ClinVar variation 14707 (VCV000014707.55), dbSNP rs1799816, ClinGen allele CA124262.
Genomic context (GRCh38, chr19:7,125,507, plus strand): 5'-CCTGCCCCAGCTCTCGAAGGAGGGTGATCTTCTCTCGAGACACCTCCCACTCGTCCGGCA[C>T]GTACACAGAGCATGGAAACACTACTTCTTACTTATCTACACAGCATCCTTGGAGGATCCC-3'
Protein context (NP_000199.2, residues 1002-1022): ASDVFPCSVY[Val1012Met]PDEWEVSREK

ClinVar aggregate classification (germline): Conflicting classifications of pathogenicity. Review status: criteria provided, conflicting classifications (1 of 4 stars). 15 submissions from 13 submitters: Uncertain significance (1); Benign (8); Likely benign (3). 3 of the submissions do not count toward it. Last evaluated 2026-08-01.

Conditions:
Monogenic diabetes. Identifiers: Orphanet 183625, MedGen C3888631, MONDO:0015967.
Bailey-Bloch congenital myopathy (CMYO13). Also called: Congenital myopathy 13; STAC3 disorder; Native American myopathy. Identifiers: Orphanet 168572, MedGen C1850625, MONDO:0009722, OMIM 255995.
Leprechaunism syndrome. Also called: LEPRECHAUNISM; Donohue syndrome. Identifiers: Orphanet 508, MedGen C0265344, MONDO:0009517, OMIM 246200.
Rabson-Mendenhall syndrome. Also called: Pineal hyperplasia AND diabetes mellitus syndrome; MENDENHALL SYNDROME; Pineal Hyperplasia, Insulin-Resistant Diabetes Mellitus, and Somatic Abnormalities. Identifiers: Orphanet 769, MedGen C0271695, MONDO:0009874, OMIM 262190.
Insulin-resistant diabetes mellitus AND acanthosis nigricans. Also called: type A insulin resistance; DIABETES MELLITUS, INSULIN-RESISTANT, WITH ACANTHOSIS NIGRICANS, TYPE A; INSULIN RECEPTOR, DEFECT IN, WITH INSULIN-RESISTANT DIABETES MELLITUS AND ACANTHOSIS NIGRICANS; IRAN, TYPE A; Insulin-resistance syndrome type A. Identifiers: Orphanet 2297, MedGen C0342278, MONDO:0012520, OMIM 610549.
Type 2 diabetes mellitus. Also called: Type II diabetes mellitus. Identifiers: MedGen C0011860, MeSH D003924, MONDO:0005148, OMIM 125853, HP:0005978.

Allele frequency attached by ClinVar (database versions not stated): 1000 Genomes Project 0.00499; 1000 Genomes Project 30x 0.00515; gnomAD exomes 0.00773 and 0.00841; gnomAD 0.00500 and 0.00545; TOPMed 0.00499; ExAC 0.00900.
gnomAD v4.1: 12,166 of 1,613,900 alleles (0.75%); highest among the groups gnomAD compares: South Asian, 2.3%; 83 homozygotes.

Submissions (15):

CeGaT Center for Human Genetics Tuebingen
Classification: Benign. Last evaluated: 2026-08-01. Review status: criteria provided, single submitter. Criteria: CeGaT Center For Human Genetics Tuebingen Variant Classification Criteria Version 2. Collection method: clinical testing. Allele origin: germline. Affected: yes. Observed: 4 variant alleles.
Comment: INSR: BS1, BS2

Labcorp Genetics (formerly Invitae), Labcorp
Classification: Benign. Last evaluated: 2026-01-13. Review status: criteria provided, single submitter. Criteria: Invitae Variant Classification Sherloc (09022015). Collection method: clinical testing. Allele origin: germline.

Genomic Medicine Center of Excellence, King Faisal Specialist Hospital and Research Centre
Classification: Benign for Rabson-Mendenhall syndrome. Last evaluated: 2025-09-10. Review status: criteria provided, single submitter. Criteria: ACMG Guidelines, 2015. Collection method: clinical testing. Allele origin: germline.

Mendelics
Classification: Likely benign for Insulin-resistant diabetes mellitus AND acanthosis nigricans. Last evaluated: 2019-05-28. Review status: criteria provided, single submitter. Criteria: Mendelics Assertion Criteria 2017. Collection method: clinical testing. Allele origin: unknown.

Illumina Laboratory Services, Illumina
Classification: Benign for Insulin-resistant diabetes mellitus AND acanthosis nigricans. Last evaluated: 2018-03-06. Review status: criteria provided, single submitter. Criteria: ICSL Variant Classification Criteria 13 December 2019. Collection method: clinical testing. Allele origin: germline.
Comment: This variant was observed in the ICSL laboratory as part of a predisposition screen in an ostensibly healthy population. It had not been previously curated by ICSL or reported in the Human Gene Mutation Database (HGMD: prior to June 1st, 2018), and was therefore a candidate for classification through an automated scoring system. Utilizing variant allele frequency, disease prevalence and penetrance estimates, and inheritance mode, an automated score was calculated to assess if this variant is too frequent to cause the disease. Based on the score and internal cut-off values, a variant classified as benign is not then subjected to further curation. The score for this variant resulted in a classification of benign for this disease.

Illumina Laboratory Services, Illumina
Classification: Benign for Leprechaunism syndrome. Last evaluated: 2018-03-06. Review status: criteria provided, single submitter. Criteria: ICSL Variant Classification Criteria 13 December 2019. Collection method: clinical testing. Allele origin: germline.
Comment: the same text as in the submission from Illumina Laboratory Services, Illumina above.

Illumina Laboratory Services, Illumina
Classification: Benign for Rabson-Mendenhall syndrome. Last evaluated: 2018-03-06. Review status: criteria provided, single submitter. Criteria: ICSL Variant Classification Criteria 13 December 2019. Collection method: clinical testing. Allele origin: germline.
Comment: the same text as in the submission from Illumina Laboratory Services, Illumina above.

Personalized Diabetes Medicine Program, University of Maryland School of Medicine
Classification: Benign for Monogenic diabetes. Last evaluated: 2018-01-08. Review status: criteria provided, single submitter. Criteria: ACMG Guidelines, 2015. Collection method: research. Allele origin: unknown. Observed: 6 variant alleles, 6 heterozygotes.
Comment: ACMG criteria: PP3 (8 predictors), BS2 (107 controls in T2DM and 92 cases in an online resource), BS1 (1.53% in South Asian population in 1000g and 2.25% in ExAC South Asian pop), BP6 (Benign from Emory, but conflicting data (VUS from Chicago, LB from Illumina and Children's Mercy)=benign

Center for Pediatric Genomic Medicine, Children's Mercy Hospital and Clinics
Classification: Likely benign. Last evaluated: 2017-08-23. Review status: criteria provided, single submitter. Criteria: ACMG Guidelines, 2015. Collection method: clinical testing. Allele origin: germline.

Eurofins Ntd Llc (ga)
Classification: Benign. Last evaluated: 2015-01-28. Review status: criteria provided, single submitter. Criteria: EGL Classification Definitions 2015. Collection method: clinical testing. Allele origin: germline. Observed: 2 variant alleles, 2 heterozygotes.

Genetic Services Laboratory, University of Chicago
Classification: Uncertain significance. Last evaluated: 2014-07-01. Review status: criteria provided, single submitter. Criteria: ACMG Guidelines, 2015. Collection method: clinical testing. Allele origin: germline.

Broad Center for Mendelian Genomics, Broad Institute of MIT and Harvard
Classification: Likely benign for Bailey-Bloch congenital myopathy. Review status: criteria provided, single submitter. Criteria: ACMG Guidelines, 2015. Collection method: research. Allele origin: germline. Affected: yes.
Comment: The heterozygous p.Val1012Met variant in INSR has been identified in an individual with non-insulin-dependent diabetes mellitus and an unaffected individual (PMID: 2040394). This variant has also been identified in >2% of South Asian chromosomes and 11 homozygotes by ExAC. Please note that individuals in ExAC may have type II diabetes. In summary, although additional studies are required to fully establish its clinical significance, this variant meets criteria to be classified as likely benign for non-insulin-dependent diabetes mellitus NIDDM.

OMIM
Classification: Uncertain significance for RECLASSIFIED - VARIANT OF UNKNOWN SIGNIFICANCE. Last evaluated: 1999-03-01. Review status: no assertion criteria provided. Collection method: literature only. Allele origin: germline. Not counted in ClinVar's aggregate classification.

Diagnostic Laboratory, Department of Genetics, University Medical Center Groningen
Classification: Benign. Review status: no assertion criteria provided. Collection method: clinical testing. Allele origin: germline. Affected: yes. Study: VKGL Data-share Consensus. Not counted in ClinVar's aggregate classification.

Laboratory of Diagnostic Genome Analysis, Leiden University Medical Center (LUMC)
Classification: Likely benign. Review status: no assertion criteria provided. Collection method: clinical testing. Allele origin: germline. Affected: yes. Study: VKGL Data-share Consensus. Not counted in ClinVar's aggregate classification.

Literature cited by the submitters: PubMed 2040394 (cited by Broad Center for Mendelian Genomics, Broad Institute of MIT and Harvard); PubMed 11463381 (cited by OMIM); PubMed 27896077 (cited by OMIM); PubMed 8432414 (cited by OMIM); PubMed 8900242 (cited by OMIM); PubMed 10084586 (cited by OMIM).